The following is an entry in ClinVar:

NM_001148.6(ANK2):c.3636C>A (p.Asn1212Lys)

Gene: ANK2 (ankyrin 2; plus strand). Cytogenetic location: 4q26.
Variant type: single nucleotide variant.
Coding change: c.3636C>A on transcript NM_001148.6 (MANE Select); coding-DNA position 3636, C replaced by A.
Protein change: p.Asn1212Lys; replaces asparagine 1212 with lysine.
Molecular consequence: missense variant.
Genome position (GRCh38, 1-based): chr4:113,336,621, C>A. VCF-style: chr4-113336621-C-A. GRCh37 (hg19) VCF-style: chr4-114257777-C-A.
Other names: c.3609C>A, p.Asn1203Lys (NM_001127493.3); c.3648C>A, p.Asn1216Lys (NM_001354225.2); c.3537C>A, p.Asn1179Lys (NM_001354228.2, NM_001354258.2); c.3615C>A, p.Asn1205Lys (NM_001354230.2); c.3678C>A, p.Asn1226Lys (NM_001354231.2, NM_001354242.2); c.3672C>A, p.Asn1224Lys (NM_001354232.2); c.3633C>A, p.Asn1211Lys (NM_001354235.2, NM_001354246.2, NM_001354265.2); c.3534C>A, p.Asn1178Lys (NM_001354236.2); and 31 more; short protein forms N1051K, N1084K, N1112K, N1117K, N1125K, N1137K, N1141K, N1145K.
Identifiers: ClinVar variation 1064058 (VCV001064058.5), dbSNP rs1488446208, ClinGen allele CA357938323.
Genomic context (GRCh38, chr4:113,336,621, plus strand): 5'-TTTTTACTTTGAAAAGGCTCAACCTATGCACAGTGAGCTGGTTAAGAAGATCCTAGGCAA[C>A]AAAGCTACCTTCAGCCCTATAGTCACTTTGGAACCTAGAAGAAGAAAATTCCACAAACCA-3'
Protein context (NP_001139.3, residues 1202-1222): HSELVKKILG[Asn1212Lys]KATFSPIVTL

ClinVar aggregate classification (germline): Uncertain significance (1 of 4 stars; one submission).

Conditions:
Long QT syndrome (LQTS). Identifiers: MedGen C0023976, MeSH D008133, MONDO:0002442. Disease mechanism: loss of function. Inheritance: Various modes of inheritance.

gnomAD v4.1: 1 of 1,614,122 alleles (0.000062%); highest among the groups gnomAD compares: Non-Finnish European, 0.000085%; no homozygotes.

Submission:

Labcorp Genetics (formerly Invitae), Labcorp
Classification: Uncertain significance for Long QT syndrome. Last evaluated: 2022-11-22. Review status: criteria provided, single submitter. Criteria: Invitae Variant Classification Sherloc (09022015). Collection method: clinical testing. Allele origin: germline.
Comment: Advanced modeling of protein sequence and biophysical properties (such as structural, functional, and spatial information, amino acid conservation, physicochemical variation, residue mobility, and thermodynamic stability) has been performed at Invitae for this missense variant, however the output from this modeling did not meet the statistical confidence thresholds required to predict the impact of this variant on ANK2 protein function. In summary, the available evidence is currently insufficient to determine the role of this variant in disease. Therefore, it has been classified as a Variant of Uncertain Significance. ClinVar contains an entry for this variant (Variation ID: 1064058). This variant has not been reported in the literature in individuals affected with ANK2-related conditions. This variant is not present in population databases (gnomAD no frequency). This sequence change replaces asparagine, which is neutral and polar, with lysine, which is basic and polar, at codon 1212 of the ANK2 protein (p.Asn1212Lys).